The following is an entry in ClinVar:

ClinVar aggregate classification (germline): Uncertain significance. Review status: criteria provided, multiple submitters, no conflicts (2 of 4 stars). 4 submissions from 4 submitters: Uncertain significance (4). Last evaluated 2025-04-11.

Conditions:
Hereditary cancer-predisposing syndrome. Also called: Neoplastic Syndromes, Hereditary; Tumor predisposition; Hereditary Cancer Syndrome; Hereditary neoplastic syndrome. Identifiers: Orphanet 140162, MedGen C0027672, MeSH D009386, MONDO:0015356.
Hereditary breast ovarian cancer syndrome. Also called: BRCA1- and BRCA2-Associated Hereditary Breast and Ovarian Cancer; Hereditary breast and ovarian cancer syndrome; Hereditary breast and ovarian cancer; Hereditary breast and ovarian cancer syndrome (HBOC); Breast and ovarian cancer; Hereditary breast and/or ovarian cancer syndrome. Identifiers: Orphanet 145, MedGen C0677776, MeSH D061325, MONDO:0003582. Disease mechanism: loss of function.

Submissions (4):

Labcorp Genetics (formerly Invitae), Labcorp
Classification: Uncertain significance for Hereditary breast ovarian cancer syndrome. Last evaluated: 2025-04-11. Review status: criteria provided, single submitter. Criteria: Invitae Variant Classification Sherloc (09022015). Collection method: clinical testing. Allele origin: germline.
Comment: This sequence change replaces lysine, which is basic and polar, with arginine, which is basic and polar, at codon 3383 of the BRCA2 protein (p.Lys3383Arg). This variant is not present in population databases (gnomAD no frequency). This variant has not been reported in the literature in individuals affected with BRCA2-related conditions. ClinVar contains an entry for this variant (Variation ID: 231590). Invitae Evidence Modeling of protein sequence and biophysical properties (such as structural, functional, and spatial information, amino acid conservation, physicochemical variation, residue mobility, and thermodynamic stability) indicates that this missense variant is not expected to disrupt BRCA2 protein function with a negative predictive value of 95%. In summary, the available evidence is currently insufficient to determine the role of this variant in disease. Therefore, it has been classified as a Variant of Uncertain Significance.

Color Diagnostics, LLC DBA Color Health
Classification: Uncertain significance for Hereditary cancer-predisposing syndrome. Last evaluated: 2025-03-04. Review status: criteria provided, single submitter. Criteria: ACMG Guidelines, 2015. Collection method: clinical testing. Allele origin: germline.
Comment: This missense variant replaces lysine with arginine at codon 3383 of the BRCA2 protein. Computational prediction suggests that this variant may not impact protein structure and function. To our knowledge, functional studies have not been reported for this variant. This variant has not been reported in individuals affected with BRCA2-related disorders in the literature. This variant has not been identified in the general population by the Genome Aggregation Database (gnomAD). The available evidence is insufficient to determine the role of this variant in disease conclusively. Therefore, this variant is classified as a Variant of Uncertain Significance.

Quest Diagnostics Nichols Institute San Juan Capistrano
Classification: Uncertain significance. Last evaluated: 2021-08-03. Review status: criteria provided, single submitter. Criteria: Quest Diagnostics criteria. Collection method: clinical testing. Allele origin: unknown.

Ambry Genetics
Classification: Uncertain significance for Hereditary cancer-predisposing syndrome. Last evaluated: 2018-11-16. Review status: criteria provided, single submitter. Criteria: Ambry Variant Classification Scheme 2023. Collection method: clinical testing. Allele origin: germline.
Comment: The p.K3383R variant (also known as c.10148A>G), located in coding exon 26 of the BRCA2 gene, results from an A to G substitution at nucleotide position 10148. The lysine at codon 3383 is replaced by arginine, an amino acid with highly similar properties. This amino acid position is well conserved in available vertebrate species. In addition, this alteration is predicted to be tolerated by in silico analysis. Since supporting evidence is limited at this time, the clinical significance of this alteration remains unclear.

NM_000059.4(BRCA2):c.10148A>G (p.Lys3383Arg)

Gene: BRCA2 (BRCA2 DNA repair associated; plus strand). Cytogenetic location: 13q13.1.
Variant type: single nucleotide variant.
Coding change: c.10148A>G on transcript NM_000059.4 (MANE Select); coding-DNA position 10148, A replaced by G.
Protein change: p.Lys3383Arg; replaces lysine 3383 with arginine.
Molecular consequence: missense variant.
Genome position (GRCh38, 1-based): chr13:32,398,661, A>G. VCF-style: chr13-32398661-A-G. GRCh37 (hg19) VCF-style: chr13-32972798-A-G.
Other names: short protein forms K3383R.
Identifiers: ClinVar variation 231590 (VCV000231590.8), dbSNP rs876659246, ClinGen allele CA10579858.